The following is an entry in ClinVar:

ClinVar aggregate classification (germline): Uncertain significance (1 of 4 stars; one submission).

Conditions:
Granulomatous disease, chronic, X-linked. Also called: CYTOCHROME b-NEGATIVE GRANULOMATOUS DISEASE, CHRONIC, X-LINKED; GRANULOMATOUS DISEASE, CHRONIC, X-LINKED, SOMATIC MOSAIC. Identifiers: Orphanet 379, MedGen C1844376, MONDO:0010600, OMIM 306400.

Submission:

Labcorp Genetics (formerly Invitae), Labcorp
Classification: Uncertain significance for Granulomatous disease, chronic, X-linked. Last evaluated: 2024-01-08. Review status: criteria provided, single submitter. Criteria: Invitae Variant Classification Sherloc (09022015). Collection method: clinical testing. Allele origin: germline.
Comment: This sequence change replaces glycine, which is neutral and non-polar, with arginine, which is basic and polar, at codon 533 of the CYBB protein (p.Gly533Arg). This variant is not present in population databases (gnomAD no frequency). This variant has not been reported in the literature in individuals affected with CYBB-related conditions. ClinVar contains an entry for this variant (Variation ID: 1720660). Advanced modeling of protein sequence and biophysical properties (such as structural, functional, and spatial information, amino acid conservation, physicochemical variation, residue mobility, and thermodynamic stability) performed at Invitae indicates that this missense variant is expected to disrupt CYBB protein function with a positive predictive value of 80%. In summary, the available evidence is currently insufficient to determine the role of this variant in disease. Therefore, it has been classified as a Variant of Uncertain Significance.

NM_000397.4(CYBB):c.1597G>A (p.Gly533Arg)

Gene: CYBB (cytochrome b-245 beta chain; plus strand). Cytogenetic location: Xp11.4.
Variant type: single nucleotide variant.
Coding change: c.1597G>A on transcript NM_000397.4 (MANE Select); coding-DNA position 1597, G replaced by A.
Protein change: p.Gly533Arg; replaces glycine 533 with arginine.
Molecular consequence: missense variant.
Genome position (GRCh38, 1-based): chrX:37,810,801, G>A. VCF-style: chrX-37810801-G-A. GRCh37 (hg19) VCF-style: chrX-37670054-G-A.
Other names: short protein forms G533R.
Identifiers: ClinVar variation 1720660 (VCV001720660.6), dbSNP rs2519214372, ClinGen allele CA412978655.
Genomic context (GRCh38, chrX:37,810,801, plus strand): 5'-GACATCTCATCCCAAAGCTTGAAATTGTCTTTTTTTTTCTTTCCCAAAAGTACCAGAATA[G>A]GAGTTTTCCTCTGTGGACCTGAAGCCTTGGCTGAAACCCTGAGTAAACAAAGCATCTCCA-3'
Protein context (NP_000388.2, residues 523-543): IASQHPNTRI[Gly533Arg]VFLCGPEALA